The following is an entry in ClinVar:

ClinVar aggregate classification (germline): Uncertain significance. Review status: criteria provided, multiple submitters, no conflicts (2 of 4 stars). 2 submissions from 2 submitters: Uncertain significance (2). Last evaluated 2026-03-05.

Submissions (2):

Women's Health and Genetics/Laboratory Corporation of America, LabCorp
Classification: Uncertain significance. Last evaluated: 2026-03-05. Review status: criteria provided, single submitter. Criteria: LabCorp Variant Classification Summary - May 2015. Collection method: clinical testing. Allele origin: germline.
Comment: Variant summary: AMACR c.836C>T (p.Thr279Met) results in a non-conservative amino acid change in the encoded protein sequence. Algorithms developed to predict the effect of missense changes on protein structure and function all suggest that this variant is likely to be disruptive. The variant allele was found at a frequency of 8e-06 in 251448 control chromosomes. The available data on variant occurrences in the general population are insufficient to allow any conclusion about variant significance. To our knowledge, no occurrence of c.836C>T in individuals affected with AMACR-related conditions and no experimental evidence demonstrating its impact on protein function have been reported. No submitters have cited clinical-significance assessments for this variant to ClinVar. Based on the evidence outlined above, the variant was classified as uncertain significance.

Blueprint Genetics
Classification: Uncertain significance. Last evaluated: 2024-07-05. Review status: criteria provided, single submitter. Criteria: ACMG Guidelines, 2015. Collection method: clinical testing. Allele origin: germline.

NM_014324.6(AMACR):c.836C>T (p.Thr279Met)

Genes: AMACR (alpha-methylacyl-CoA racemase; minus strand), C1QTNF3-AMACR (C1QTNF3-AMACR readthrough (NMD candidate); minus strand). Cytogenetic location: 5p13.2.
Variant type: single nucleotide variant.
Coding change: c.836C>T on transcript NM_014324.6 (MANE Select); coding-DNA position 836, C replaced by T.
Protein change: p.Thr279Met; replaces threonine 279 with methionine.
Molecular consequence: missense variant. On other transcripts: non-coding transcript variant (1), 3 prime UTR variant (1).
Genome position (GRCh38, 1-based): chr5:33,989,406, G>A on the plus strand (C>T on the coding strand, the complement: AMACR is on the minus strand). VCF-style: chr5-33989406-G-A. GRCh37 (hg19) VCF-style: chr5-33989511-G-A.
Other names: c.836C>T, p.Thr279Met (NM_001167595.2); c.*78C>T (NM_203382.3); short protein forms T279M.
Identifiers: ClinVar variation 4847458 (VCV004847458.2).
Genomic context (GRCh38, chr5:33,989,406, plus strand): 5'-GTCAGAACCGGAGTCACACAGGCATCTGTGCCGTCAAAGATTTGACACCACTCTGCCTTC[G>A]TCTTCTCTGCAAATACATCTGCAAACTTCTTCTTCATTTCTGGCCAATCATCCATGCTCA-3'
Protein context (NP_055139.4, residues 269-289): KKFADVFAEK[Thr279Met]KAEWCQIFDG